The following is an entry in ClinVar:

ClinVar aggregate classification (germline): Uncertain significance (1 of 4 stars; one submission).

Submission:

Labcorp Genetics (formerly Invitae), Labcorp
Classification: Uncertain significance. Last evaluated: 2023-09-03. Review status: criteria provided, single submitter. Criteria: Invitae Variant Classification Sherloc (09022015). Collection method: clinical testing. Allele origin: germline.
Comment: This sequence change replaces asparagine, which is neutral and polar, with histidine, which is basic and polar, at codon 532 of the GATAD2B protein (p.Asn532His). This variant is present in population databases (no rsID available, gnomAD 0.0009%). This variant has not been reported in the literature in individuals affected with GATAD2B-related conditions. Advanced modeling of protein sequence and biophysical properties (such as structural, functional, and spatial information, amino acid conservation, physicochemical variation, residue mobility, and thermodynamic stability) performed at Invitae indicates that this missense variant is not expected to disrupt GATAD2B protein function. In summary, the available evidence is currently insufficient to determine the role of this variant in disease. Therefore, it has been classified as a Variant of Uncertain Significance.

NM_020699.4(GATAD2B):c.1594A>C (p.Asn532His)

Gene: GATAD2B (GATA zinc finger domain containing 2B; minus strand). Cytogenetic location: 1q21.3.
Variant type: single nucleotide variant.
Coding change: c.1594A>C on transcript NM_020699.4 (MANE Select); coding-DNA position 1594, A replaced by C.
Protein change: p.Asn532His; replaces asparagine 532 with histidine.
Molecular consequence: missense variant.
Genome position (GRCh38, 1-based): chr1:153,811,785, T>G on the plus strand (A>C on the coding strand, the complement: GATAD2B is on the minus strand). VCF-style: chr1-153811785-T-G. GRCh37 (hg19) VCF-style: chr1-153784261-T-G.
Other names: short protein forms N532H.
Identifiers: ClinVar variation 2798820 (VCV002798820.3), dbSNP rs894154569, ClinGen allele CA342580824.
Genomic context (GRCh38, chr1:153,811,785, plus strand): 5'-TCTTACCTGGCATACCAAGGAGGCCACCTGGCACAGACAACTGGGGTGCCTGTGCAAAGT[T>G]TGAAAGCATGGAGCGGGCAGATGTGGGTATGCCACGCTGGAGGCTGCTCTGGGGCTGTGG-3'
Protein context (NP_065750.1, residues 522-542): IPTSARSMLS[Asn532His]FAQAPQLSVP